The following is an entry in ClinVar:

NM_139276.3(STAT3):c.1862T>C (p.Phe621Ser)

Gene: STAT3 (signal transducer and activator of transcription 3; minus strand). Cytogenetic location: 17q21.2.
Variant type: single nucleotide variant.
Coding change: c.1862T>C on transcript NM_139276.3 (MANE Select); coding-DNA position 1862, T replaced by C.
Protein change: p.Phe621Ser; replaces phenylalanine 621 with serine.
Molecular consequence: missense variant.
Genome position (GRCh38, 1-based): chr17:42,323,030, A>G on the plus strand (T>C on the coding strand, the complement: STAT3 is on the minus strand). VCF-style: chr17-42323030-A-G. GRCh37 (hg19) VCF-style: chr17-40475048-A-G.
Other names: c.1862T>C, p.Phe621Ser (NM_001369512.1, NM_001369513.1, NM_001369514.1 and 9 more transcripts); c.1778T>C, p.Phe593Ser (NM_001384984.1); c.1784T>C, p.Phe595Ser (NM_001384985.1); c.1877T>C, p.Phe626Ser (NM_001384986.1, NM_001384990.1); c.1841T>C, p.Phe614Ser (NM_001384987.1); c.1766T>C, p.Phe589Ser (NM_001384989.1); c.1835T>C, p.Phe612Ser (NM_001384991.1); c.1802T>C, p.Phe601Ser (NM_001384992.1); short protein forms F595S, F612S, F614S, F589S, F593S, F626S, F601S, F621S.
Identifiers: ClinVar variation 4783824 (VCV004783824.2).

ClinVar aggregate classification (germline): Likely pathogenic. Review status: criteria provided, multiple submitters, no conflicts (2 of 4 stars). 2 submissions from 2 submitters: Likely pathogenic (2). Last evaluated 2025-03-18.

Conditions:
Hyper-IgE recurrent infection syndrome 1, autosomal dominant. Also called: JOB SYNDROME; Job's Syndrome; STAT3 Hyper IgE Syndrome; Hyper-IgE recurrent infection syndrome 1; HYPER-IgE SYNDROME 1, AUTOSOMAL DOMINANT, WITH RECURRENT INFECTIONS. Identifiers: Orphanet 2314, MedGen C2936739, MONDO:0007818, OMIM 147060.
STAT3 gain of function. Identifiers: MedGen C4288261.
STAT3-related disorder. Also called: STAT3-related condition.

Submissions (2):

Labcorp Genetics (formerly Invitae), Labcorp
Classification: Likely pathogenic for STAT3 gain of function; Hyper-IgE recurrent infection syndrome 1, autosomal dominant. Last evaluated: 2025-03-18. Review status: criteria provided, single submitter. Criteria: Invitae Variant Classification Sherloc (09022015). Collection method: clinical testing. Allele origin: germline.
Comment: This sequence change replaces phenylalanine, which is neutral and non-polar, with serine, which is neutral and polar, at codon 621 of the STAT3 protein (p.Phe621Ser). This variant is not present in population databases (gnomAD no frequency). This missense change has been observed in individuals with hyper-IgE syndrome (PMID: 22992060; internal data). Invitae Evidence Modeling of protein sequence and biophysical properties (such as structural, functional, and spatial information, amino acid conservation, physicochemical variation, residue mobility, and thermodynamic stability) indicates that this missense variant is expected to disrupt STAT3 protein function with a positive predictive value of 80%. This variant disrupts the p.Phe621 amino acid residue in STAT3. Other variant(s) that disrupt this residue have been determined to be pathogenic (PMID: 20093388, 23830147, 32944025, 34134972). This suggests that this residue is clinically significant, and that variants that disrupt this residue are likely to be disease-causing. In summary, the currently available evidence indicates that the variant is pathogenic, but additional data are needed to prove that conclusively. Therefore, this variant has been classified as Likely Pathogenic.

Blueprint Genetics
Classification: Likely pathogenic for STAT3-related disorders. Last evaluated: 2023-03-29. Review status: criteria provided, single submitter. Criteria: ACMG Guidelines, 2015. Collection method: clinical testing. Allele origin: germline. Affected: yes. Observed: 1 variant allele.

Literature cited by the submitters: PubMed 22992060 (cited by Labcorp Genetics (formerly Invitae), Labcorp); PubMed 20093388 (cited by Labcorp Genetics (formerly Invitae), Labcorp); PubMed 23830147 (cited by Labcorp Genetics (formerly Invitae), Labcorp); PubMed 32944025 (cited by Labcorp Genetics (formerly Invitae), Labcorp); PubMed 34134972 (cited by Labcorp Genetics (formerly Invitae), Labcorp).